The following is an entry in ClinVar:

ClinVar aggregate classification (germline): Likely benign (1 of 4 stars; one submission).

Conditions:
PLEC-related disorder. Also called: PLEC-related disorders; PLEC-related condition.

Submission:

PreventionGenetics, part of Exact Sciences
Classification: Likely benign for PLEC-related condition. Last evaluated: 2026-05-18. Review status: criteria provided, single submitter. Criteria: ACMG Guidelines, 2015. Collection method: clinical testing. Allele origin: germline.
Comment: This variant is classified as likely benign based on ACMG/AMP sequence variant interpretation guidelines (Richards et al. 2015 PMID: 25741868, with internal and published modifications).

NM_201384.3(PLEC):c.3642G>A (p.Glu1214=)

Gene: PLEC (plectin; minus strand). Cytogenetic location: 8q24.3.
Variant type: single nucleotide variant.
Coding change: c.3642G>A on transcript NM_201384.3 (MANE Select); coding-DNA position 3642, G replaced by A.
Protein change: p.Glu1214=; no amino-acid change (glutamic acid 1214 retained).
Molecular consequence: synonymous variant.
Genome position (GRCh38, 1-based): chr8:143,927,524, C>T on the plus strand (G>A on the coding strand, the complement: PLEC is on the minus strand). VCF-style: chr8-143927524-C-T. GRCh37 (hg19) VCF-style: chr8-145001692-C-T.
Other names: c.3723G>A, p.Glu1241= (NM_000445.5, NM_001410941.1); c.3600G>A, p.Glu1200= (NM_201378.4); c.3576G>A, p.Glu1192= (NM_201379.3); c.4053G>A, p.Glu1351= (NM_201380.4); c.3546G>A, p.Glu1182= (NM_201381.3); c.3642G>A, p.Glu1214= (NM_201382.4); c.3654G>A, p.Glu1218= (NM_201383.3).
Identifiers: ClinVar variation 4995978 (VCV004995978.1).
Genomic context (GRCh38, chr8:143,927,524, plus strand): 5'-CTGGATCTGCTCCTGCCGCCGCCTGGCGTCCTGCAGCCAGGCGCCCAAGGGGTCTGCACT[C>T]TCGCGGTAGTAACGCAGCTGGCGGCCCAGTTGCTCGAGCTCGCGCTGCCGCACGTCGGTC-3'
Protein context (NP_958786.1, residues 1204-1224): QLGRQLRYYR[Glu1214=]SADPLGAWLQ